The following is an entry in ClinVar:

NM_000088.4(COL1A1):c.3243T>C (p.Val1081=)

Gene: COL1A1 (collagen type I alpha 1 chain; minus strand). Cytogenetic location: 17q21.33.
Variant type: single nucleotide variant.
Coding change: c.3243T>C on transcript NM_000088.4 (MANE Select); coding-DNA position 3243, T replaced by C.
Protein change: p.Val1081=; no amino-acid change (valine 1081 retained).
Molecular consequence: synonymous variant.
Genome position (GRCh38, 1-based): chr17:50,188,114, A>G on the plus strand (T>C on the coding strand, the complement: COL1A1 is on the minus strand). VCF-style: chr17-50188114-A-G. GRCh37 (hg19) VCF-style: chr17-48265475-A-G.
Other names: p.Val1081=.
Identifiers: ClinVar variation 197496 (VCV000197496.60), dbSNP rs1800217, ClinGen allele CA202912.

ClinVar aggregate classification (germline): Benign/Likely benign. Review status: criteria provided, multiple submitters, no conflicts (2 of 4 stars). 18 submissions from 15 submitters: Benign (15); Likely benign (3). Last evaluated 2026-09-01.

Conditions:
Connective tissue disorder. Also called: Connective tissue disease. Identifiers: MedGen C0009782, MONDO:0003900.
Cardiovascular phenotype. Identifiers: MedGen CN230736.
Osteoporosis. Identifiers: MedGen C0029456, MONDO:0005298, OMIM 166710, HP:0000939.
Osteogenesis imperfecta type I (OI1). Also called: OI, TYPE I; OSTEOGENESIS IMPERFECTA TARDA; OSTEOGENESIS IMPERFECTA WITH BLUE SCLERAE; Lobstein disease; Lobstein's Disease; Classic Non-deforming Osteogenesis Imperfecta with Blue Sclerae. Identifiers: Orphanet 216796, Orphanet 666, MedGen C0023931, MONDO:0008146, OMIM 166200. Disease mechanism: loss of function.
Ehlers-Danlos syndrome, arthrochalasia type. Also called: Ehlers-Danlos syndrome, arthrochalasis type; EDS VII, MUTANT PROCOLLAGEN TYPE; EDS VIIA; Ehlers-Danlos syndrome, arthrochalasia type, 1; ARTHROCHALASIS MULTIPLEX CONGENITA. Identifiers: Orphanet 1899, Orphanet 99875, Orphanet 99876, MedGen C4551623, MONDO:0007525, OMIM 130060.
Infantile cortical hyperostosis. Also called: Hyperostosis, Cortical, Congenital; Caffey Disease; P1PK BLOOD GROUP SYSTEM, P(2) PHENOTYPE. Identifiers: Orphanet 1310, MedGen C0020497, MONDO:0007244, OMIM 114000.
Osteogenesis imperfecta, perinatal lethal (OI2). Also called: Osteogenesis imperfecta type 2; Osteogenesis imperfecta, dominant perinatal lethal; OI, TYPE II; OSTEOGENESIS IMPERFECTA CONGENITA; VROLIK TYPE OF OSTEOGENESIS IMPERFECTA; OSTEOGENESIS IMPERFECTA, TYPE II. Identifiers: Orphanet 216804, MedGen C0268358, MONDO:0008147, OMIM 166210.
Osteogenesis imperfecta type III (OI3). Also called: Osteogenesis imperfecta type 3; OI type 3; Osteogenesis imperfecta, progressively deforming with normal sclerae; OI type III; Progressively Deforming Osteogenesis Imperfecta. Identifiers: Orphanet 216812, Orphanet 666, MedGen C0268362, MONDO:0009804, OMIM 259420.
Combined osteogenesis imperfecta and Ehlers-Danlos syndrome 1. Also called: OIEDS SYNDROME 1. Identifiers: MedGen C5436842, MONDO:0030854, OMIM 619115.
Osteogenesis imperfecta with normal sclerae, dominant form (OI4). Also called: OSTEOGENESIS IMPERFECTA, TYPE IV, WITH DENTINOGENESIS IMPERFECTA; OSTEOGENESIS IMPERFECTA WITH NORMAL SCLERAE; Osteogenesis Imperfecta Type IV; Common Variable Osteogenesis Imperfecta with Normal Sclerae; Osteogenesis imperfecta type 4. Identifiers: Orphanet 216820, Orphanet 666, MedGen C0268363, MONDO:0008148, OMIM 166220.
Ehlers-Danlos syndrome (EDS). Identifiers: Orphanet 98249, MedGen C0013720, MONDO:0020066.
Osteogenesis imperfecta (OI). Identifiers: Orphanet 666, MedGen C0029434, MeSH D010013, MONDO:0019019.

Allele frequency attached by ClinVar (database versions not stated): ESP Exome Variant Server 0.00354; 1000 Genomes Project 30x 0.00375; 1000 Genomes Project 0.00399; gnomAD 0.00465 and 0.00481; TOPMed 0.00487; gnomAD exomes 0.00615; ExAC 0.00921.

Submissions (18):

CeGaT Center for Human Genetics Tuebingen
Classification: Benign. Last evaluated: 2026-09-01. Review status: criteria provided, single submitter. Criteria: CeGaT Center For Human Genetics Tuebingen Variant Classification Criteria Version 2. Collection method: clinical testing. Allele origin: germline. Affected: yes. Observed: 19 variant alleles.
Comment: COL1A1: BP4, BP7, BS1, BS2

Labcorp Genetics (formerly Invitae), Labcorp
Classification: Benign for Osteogenesis imperfecta type I. Last evaluated: 2026-02-04. Review status: criteria provided, single submitter. Criteria: Invitae Variant Classification Sherloc (09022015). Collection method: clinical testing. Allele origin: germline.

ARUP Laboratories, Molecular Genetics and Genomics, ARUP Laboratories
Classification: Benign. Last evaluated: 2025-07-21. Review status: criteria provided, single submitter. Criteria: ARUP Molecular Germline Variant Investigation Process 2024. Collection method: clinical testing. Allele origin: germline.

Molecular Diagnostic Laboratory for Inherited Cardiovascular Disease, Montreal Heart Institute
Classification: Benign. Last evaluated: 2025-04-09. Review status: criteria provided, single submitter. Criteria: ACMG Guidelines, 2015. Collection method: clinical testing. Allele origin: germline. Affected: no.
Comment: BS1;BP6;BP7

Blueprint Genetics
Classification: Likely benign. Last evaluated: 2024-11-27. Review status: criteria provided, single submitter. Criteria: ACMG Guidelines, 2015. Collection method: clinical testing. Allele origin: germline.

Genome Diagnostics Laboratory, The Hospital for Sick Children
Classification: Benign for Osteogenesis imperfecta. Last evaluated: 2022-07-09. Review status: criteria provided, single submitter. Criteria: ACMG Guidelines, 2015. Collection method: clinical testing. Allele origin: germline.

Genome Diagnostics Laboratory, The Hospital for Sick Children
Classification: Benign for Ehlers-Danlos syndrome. Last evaluated: 2022-03-19. Review status: criteria provided, single submitter. Criteria: ACMG Guidelines, 2015. Collection method: clinical testing. Allele origin: germline.

Fulgent Genetics
Classification: Benign for Infantile cortical hyperostosis; Ehlers-Danlos syndrome, arthrochalasia type; Osteogenesis imperfecta type I; Osteogenesis imperfecta, perinatal lethal; Osteogenesis imperfecta with normal sclerae, dominant form; Osteoporosis; Osteogenesis imperfecta type III; Combined osteogenesis imperfecta and Ehlers-Danlos syndrome 1. Last evaluated: 2021-08-24. Review status: criteria provided, single submitter. Criteria: ACMG Guidelines, 2015. Collection method: clinical testing. Allele origin: unknown.

Athena Diagnostics
Classification: Benign. Last evaluated: 2020-01-22. Review status: criteria provided, single submitter. Criteria: Athena Diagnostics Criteria. Collection method: clinical testing. Allele origin: unknown.

Mayo Clinic Laboratories, Mayo Clinic
Classification: Benign. Last evaluated: 2019-04-17. Review status: criteria provided, single submitter. Criteria: ACMG Guidelines, 2015. Collection method: clinical testing. Allele origin: germline. Observed: 62 variant alleles.

Ambry Genetics
Classification: Benign for Cardiovascular phenotype. Last evaluated: 2019-01-23. Review status: criteria provided, single submitter. Criteria: Ambry Variant Classification Scheme 2023. Collection method: clinical testing. Allele origin: germline.

Illumina Laboratory Services, Illumina
Classification: Benign for Osteogenesis imperfecta. Last evaluated: 2017-04-27. Review status: criteria provided, single submitter. Criteria: ICSL Variant Classification Criteria 13 December 2019. Collection method: clinical testing. Allele origin: germline.
Comment: This variant was observed as part of a predisposition screen in an ostensibly healthy population. A literature search was performed for the gene, cDNA change, and amino acid change (where applicable). No publications were found based on this search. Allele frequency data from public databases was too high to be consistent with this variant causing disease. Therefore, this variant is classified as benign.

Illumina Laboratory Services, Illumina
Classification: Benign for Ehlers-Danlos syndrome, arthrochalasia type. Last evaluated: 2017-04-27. Review status: criteria provided, single submitter. Criteria: ICSL Variant Classification Criteria 13 December 2019. Collection method: clinical testing. Allele origin: germline.
Comment: the same text as in the submission from Illumina Laboratory Services, Illumina above.

Illumina Laboratory Services, Illumina
Classification: Benign for Infantile cortical hyperostosis. Last evaluated: 2017-04-27. Review status: criteria provided, single submitter. Criteria: ICSL Variant Classification Criteria 13 December 2019. Collection method: clinical testing. Allele origin: germline.
Comment: the same text as in the submission from Illumina Laboratory Services, Illumina above.

GeneDx
Classification: Benign. Last evaluated: 2017-01-26. Review status: criteria provided, single submitter. Criteria: GeneDx Variant Classification (06012015). Collection method: clinical testing. Allele origin: germline. Affected: yes.
Comment: This variant is considered likely benign or benign based on one or more of the following criteria: it is a conservative change, it occurs at a poorly conserved position in the protein, it is predicted to be benign by multiple in silico algorithms, and/or has population frequency not consistent with disease.

Center for Human Genetics, Inc
Classification: Likely benign for Connective tissue disorder. Last evaluated: 2016-11-01. Review status: criteria provided, single submitter. Criteria: ACMG Guidelines, 2015. Collection method: clinical testing. Allele origin: germline. Affected: yes.

Eurofins Ntd Llc (ga)
Classification: Benign. Last evaluated: 2014-12-04. Review status: criteria provided, single submitter. Criteria: EGL Classification Definitions 2015. Collection method: clinical testing. Allele origin: germline. Observed: 1 variant allele, 1 heterozygote.

Breakthrough Genomics
Classification: Likely benign. Review status: criteria provided, single submitter. Criteria: ACMG Guidelines, 2015. Collection method: not provided. Allele origin: germline. Inheritance: Autosomal dominant inheritance. Affected: yes.

Literature cited by the submitters: PubMed 21594610 (cited by Athena Diagnostics); PubMed 18272325 (cited by Athena Diagnostics); PubMed 8456808 (cited by Athena Diagnostics).